The following is an entry in ClinVar:

NM_020207.7(ERCC6L2):c.1505C>G (p.Ser502Cys)

Gene: ERCC6L2 (ERCC excision repair 6 like 2; plus strand). Cytogenetic location: 9q22.32.
Variant type: single nucleotide variant.
Coding change: c.1505C>G on transcript NM_020207.7 (MANE Select); coding-DNA position 1505, C replaced by G.
Protein change: p.Ser502Cys; replaces serine 502 with cysteine.
Molecular consequence: missense variant. On other transcripts: non-coding transcript variant (1).
Genome position (GRCh38, 1-based): chr9:95,923,351, C>G. VCF-style: chr9-95923351-C-G. GRCh37 (hg19) VCF-style: chr9-98685633-C-G.
Other names: c.1505C>G, p.Ser502Cys (NM_001010895.4, NM_001375291.1, NM_001375292.1 and 2 more transcripts); short protein forms S502C.
Identifiers: ClinVar variation 5036106 (VCV005036106.1).

ClinVar aggregate classification (germline): Uncertain significance (1 of 4 stars; one submission).

Conditions:
Inborn genetic diseases. Identifiers: MedGen C0950123, MeSH D030342.

Submission:

Ambry Genetics
Classification: Uncertain significance for Inborn genetic diseases. Last evaluated: 2026-08-18. Review status: criteria provided, single submitter. Criteria: Ambry Variant Classification Scheme 2023. Collection method: clinical testing. Allele origin: germline.
Comment: The p.S502C variant (also known as c.1505C>G), located in coding exon 9 of the ERCC6L2 gene, results from a C to G substitution at nucleotide position 1505. The serine at codon 502 is replaced by cysteine, an amino acid with dissimilar properties. This amino acid position is conserved. In addition, the in silico prediction for this alteration is inconclusive. Based on the available evidence, the clinical significance of this variant remains unclear.